The following is an entry in ClinVar:

NC_000002.12:g.121530958A>C

Genes: CLASP1 (cytoplasmic linker associated protein 1; minus strand), CLASP1-AS1 (CLASP1 antisense RNA 1; plus strand), RNU4ATAC (RNA, U4atac small nuclear; plus strand). Cytogenetic location: 2q14.2.
Variant type: single nucleotide variant.
Molecular consequence: intron variant (on NM_001395891.1).
Genome position: GRCh38 VCF-style: chr2-121530958-A-C. GRCh37 (hg19) VCF-style: chr2-122288534-A-C.
Other names: c.196-633T>G (NM_001142274.2, NM_015282.3, NM_001378003.1 and 5 more transcripts).
Identifiers: ClinVar variation 1507350 (VCV001507350.5), dbSNP rs754148812, ClinGen allele CA428888054.

ClinVar aggregate classification (germline): Uncertain significance (1 of 4 stars; one submission).

gnomAD v4.1: 7 of 700,232 alleles (0.001%); highest among the groups gnomAD compares: East Asian, 0.0054%; no homozygotes.

Submission:

Labcorp Genetics (formerly Invitae), Labcorp
Classification: Uncertain significance. Last evaluated: 2024-07-31. Review status: criteria provided, single submitter. Criteria: Invitae Variant Classification Sherloc (09022015). Collection method: clinical testing. Allele origin: germline.
Comment: This variant occurs in the RNU4ATAC gene, which encodes an RNA molecule that does not result in a protein product. This variant is present in population databases (no rsID available, gnomAD 0.004%). This variant has not been reported in the literature in individuals affected with RNU4ATAC-related conditions. ClinVar contains an entry for this variant (Variation ID: 1507350). Experimental studies and prediction algorithms are not available or were not evaluated, and the functional significance of this variant is currently unknown. In summary, the available evidence is currently insufficient to determine the role of this variant in disease. Therefore, it has been classified as a Variant of Uncertain Significance.